The following is an entry in ClinVar:

ClinVar aggregate classification (germline): Uncertain significance (1 of 4 stars; one submission).

Conditions:
Cardiovascular phenotype. Identifiers: MedGen CN230736.

Submission:

Ambry Genetics
Classification: Uncertain significance for Cardiovascular phenotype. Last evaluated: 2025-12-07. Review status: criteria provided, single submitter. Criteria: Ambry Variant Classification Scheme 2023. Collection method: clinical testing. Allele origin: germline.
Comment: The p.A153T variant (also known as c.457G>A), located in coding exon 4 of the EPHB4 gene, results from a G to A substitution at nucleotide position 457. The alanine at codon 153 is replaced by threonine, an amino acid with similar properties. This amino acid position is conserved. In addition, this alteration is predicted to be tolerated by in silico analysis. Based on the available evidence, the clinical significance of this variant remains unclear.

NM_004444.5(EPHB4):c.457G>A (p.Ala153Thr)

Gene: EPHB4 (EPH receptor B4; minus strand). Cytogenetic location: 7q22.1.
Variant type: single nucleotide variant.
Coding change: c.457G>A on transcript NM_004444.5 (MANE Select); coding-DNA position 457, G replaced by A.
Protein change: p.Ala153Thr; replaces alanine 153 with threonine.
Molecular consequence: missense variant.
Genome position (GRCh38, 1-based): chr7:100,822,622, C>T on the plus strand (G>A on the coding strand, the complement: EPHB4 is on the minus strand). VCF-style: chr7-100822622-C-T. GRCh37 (hg19) VCF-style: chr7-100420244-C-T.
Other names: short protein forms A153T.
Identifiers: ClinVar variation 4614142 (VCV004614142.1).
Genomic context (GRCh38, chr7:100,822,622, plus strand): 5'-CAGCCTTGCTGAGCGGTCCCAGACGCAGCGTCTTGACATTCACCTTCCCGGTGGCCTCGG[C>T]CCCAGGGCGCTTCCGGGTGAGATGCTCCGCGGCCACCGTGTCCACCTGCCGGCGGGGGGG-3'
Protein context (NP_004435.3, residues 143-163): AEHLTRKRPG[Ala153Thr]EATGKVNVKT